The following is an entry in ClinVar:

ClinVar aggregate classification (germline): Uncertain significance (1 of 4 stars; one submission).

Conditions:
Hereditary cancer-predisposing syndrome. Also called: Neoplastic Syndromes, Hereditary; Hereditary neoplastic syndrome; Tumor predisposition; Hereditary Cancer Syndrome. Identifiers: Orphanet 140162, MedGen C0027672, MeSH D009386, MONDO:0015356.

Allele frequency attached by ClinVar (database versions not stated): gnomAD exomes below 0.00001.
gnomAD v4.1: 1 of 1,614,116 alleles (0.000062%); highest among the groups gnomAD compares: Non-Finnish European, 0.000085%; no homozygotes.

Submission:

Ambry Genetics
Classification: Uncertain significance for Hereditary cancer-predisposing syndrome. Last evaluated: 2022-11-23. Review status: criteria provided, single submitter. Criteria: Ambry Variant Classification Scheme 2023. Collection method: clinical testing. Allele origin: germline.
Comment: The p.F1074L variant (also known as c.3220T>C), located in coding exon 21 of the ATM gene, results from a T to C substitution at nucleotide position 3220. The phenylalanine at codon 1074 is replaced by leucine, an amino acid with highly similar properties. This amino acid position is conserved. In addition, this alteration is predicted to be tolerated by in silico analysis. Since supporting evidence is limited at this time, the clinical significance of this alteration remains unclear.

NM_000051.4(ATM):c.3220T>C (p.Phe1074Leu)

Gene: ATM (ATM serine/threonine kinase; plus strand). Cytogenetic location: 11q22.3.
Variant type: single nucleotide variant.
Coding change: c.3220T>C on transcript NM_000051.4 (MANE Select); coding-DNA position 3220, T replaced by C.
Protein change: p.Phe1074Leu; replaces phenylalanine 1074 with leucine.
Molecular consequence: missense variant.
Genome position (GRCh38, 1-based): chr11:108,272,788, T>C. VCF-style: chr11-108272788-T-C. GRCh37 (hg19) VCF-style: chr11-108143515-T-C.
Other names: c.3220T>C, p.Phe1074Leu (NM_001351834.2); short protein forms F1074L.
Identifiers: ClinVar variation 2453930 (VCV002453930.2), dbSNP rs2135571581, ClinGen allele CA382515867.